The following is an entry in ClinVar:

NM_004958.4(MTOR):c.7090-5T>C

Gene: MTOR (mechanistic target of rapamycin kinase; minus strand). Cytogenetic location: 1p36.22.
Variant type: single nucleotide variant.
Coding change: c.7090-5T>C on transcript NM_004958.4 (MANE Select); 5 bases into the intron before coding-DNA position 7090, T replaced by C.
Molecular consequence: intron variant.
Genome position (GRCh38, 1-based): chr1:11,114,892, A>G on the plus strand (T>C on the coding strand, the complement: MTOR is on the minus strand). VCF-style: chr1-11114892-A-G. GRCh37 (hg19) VCF-style: chr1-11174949-A-G.
Other names: c.5842-5T>C (NM_001386501.1); c.7090-5T>C (NM_001386500.1, NM_004958.3).
Identifiers: ClinVar variation 1595274 (VCV001595274.9), dbSNP rs1204309795, ClinGen allele CA521172745.

ClinVar aggregate classification (germline): Likely benign. Review status: criteria provided, multiple submitters, no conflicts (2 of 4 stars). 2 submissions from 2 submitters: Likely benign (2). Last evaluated 2025-09-12.

Conditions:
MTOR-related disorder. Also called: MTOR-related condition.

Allele frequency attached by ClinVar (database versions not stated): gnomAD 0.00001; gnomAD exomes 0.00001; TOPMed 0.00002.

Submissions (2):

PreventionGenetics, part of Exact Sciences
Classification: Likely benign for MTOR-related condition. Last evaluated: 2025-09-12. Review status: criteria provided, single submitter. Criteria: ACMG Guidelines, 2015. Collection method: clinical testing. Allele origin: germline.
Comment: This variant is classified as likely benign based on ACMG/AMP sequence variant interpretation guidelines (Richards et al. 2015 PMID: 25741868, with internal and published modifications).

Labcorp Genetics (formerly Invitae), Labcorp
Classification: Likely benign. Last evaluated: 2024-09-10. Review status: criteria provided, single submitter. Criteria: Invitae Variant Classification Sherloc (09022015). Collection method: clinical testing. Allele origin: germline.